The following is an entry in ClinVar:

ClinVar aggregate classification (germline): Uncertain significance (1 of 4 stars; one submission).

Submission:

Labcorp Genetics (formerly Invitae), Labcorp
Classification: Uncertain significance. Last evaluated: 2025-04-02. Review status: criteria provided, single submitter. Criteria: Invitae Variant Classification Sherloc (09022015). Collection method: clinical testing. Allele origin: germline.
Comment: This sequence change replaces proline, which is neutral and non-polar, with arginine, which is basic and polar, at codon 567 of the ABL1 protein (p.Pro567Arg). This variant is not present in population databases (gnomAD no frequency). This variant has not been reported in the literature in individuals affected with ABL1-related conditions. Invitae Evidence Modeling of protein sequence and biophysical properties (such as structural, functional, and spatial information, amino acid conservation, physicochemical variation, residue mobility, and thermodynamic stability) indicates that this missense variant is not expected to disrupt ABL1 protein function with a negative predictive value of 95%. In summary, the available evidence is currently insufficient to determine the role of this variant in disease. Therefore, it has been classified as a Variant of Uncertain Significance.

NM_005157.6(ABL1):c.1643C>G (p.Pro548Arg)

Gene: ABL1 (ABL proto-oncogene 1, non-receptor tyrosine kinase; plus strand). Cytogenetic location: 9q34.12.
Variant type: single nucleotide variant.
Coding change: c.1643C>G on transcript NM_005157.6 (MANE Select); coding-DNA position 1643, C replaced by G.
Protein change: p.Pro548Arg; replaces proline 548 with arginine.
Molecular consequence: missense variant.
Genome position (GRCh38, 1-based): chr9:130,880,629, C>G. VCF-style: chr9-130880629-C-G. GRCh37 (hg19) VCF-style: chr9-133756016-C-G.
Other names: c.1700C>G, p.Pro567Arg (NM_007313.3); short protein forms P548R, P567R.
Identifiers: ClinVar variation 4801861 (VCV004801861.1).